The following is an entry in ClinVar:

ClinVar aggregate classification (germline): Uncertain significance (1 of 4 stars; one submission).

Submission:

GeneDx
Classification: Uncertain significance. Last evaluated: 2024-10-02. Review status: criteria provided, single submitter. Criteria: GeneDx Variant Classification Process June 2021. Collection method: clinical testing. Allele origin: germline. Affected: yes.
Comment: Not observed at significant frequency in large population cohorts (gnomAD); In silico analysis indicates that this missense variant does not alter protein structure/function; Has not been previously published as pathogenic or benign to our knowledge

NM_000937.5(POLR2A):c.485A>G (p.Asn162Ser)

Gene: POLR2A (RNA polymerase II subunit A; plus strand). Cytogenetic location: 17p13.1.
Variant type: single nucleotide variant.
Coding change: c.485A>G on transcript NM_000937.5 (MANE Select); coding-DNA position 485, A replaced by G.
Protein change: p.Asn162Ser; replaces asparagine 162 with serine.
Molecular consequence: missense variant.
Genome position (GRCh38, 1-based): chr17:7,496,561, A>G. VCF-style: chr17-7496561-A-G. GRCh37 (hg19) VCF-style: chr17-7399880-A-G.
Other names: short protein forms N162S.
Identifiers: ClinVar variation 3777418 (VCV003777418.1).